The following is an entry in ClinVar:

NM_000132.4(F8):c.3746del (p.Leu1249fs)

Gene: F8 (coagulation factor VIII; minus strand). Cytogenetic location: Xq28.
Variant type: Deletion.
Coding change: c.3746del on transcript NM_000132.4 (MANE Select); coding-DNA position 3746, one base deleted (T; older notation c.3746delT).
Protein change: p.Leu1249fs; shifts the reading frame from leucine 1249.
Molecular consequence: frameshift variant.
Genome position (GRCh38, 1-based): chrX:154,930,044, A deleted on the plus strand (T on the coding strand, the reverse complement: F8 is on the minus strand). VCF-style (leftmost placement, unchanged base first): chrX-154930043-CA-C. GRCh37 (hg19) VCF-style: chrX-154158318-CA-C.
Other names: short protein forms L1249fs.
Identifiers: ClinVar variation 1330419 (VCV001330419.7), dbSNP rs2124050272, ClinGen allele CA2573055188.

ClinVar aggregate classification (germline): Pathogenic (1 of 4 stars; one submission).

Conditions:
Hereditary factor VIII deficiency disease (HEMA). Also called: HEMOPHILIA, CLASSIC; AUTOSOMAL HEMOPHILIA A; Hemophilia A; Hemophilia A, congenital; HEM A; Factor 8 deficiency, congenital. Identifiers: Orphanet 98878, MedGen C0019069, MONDO:0010602, OMIM 306700.

Submission:

ARUP Laboratories, Molecular Genetics and Genomics, ARUP Laboratories
Classification: Pathogenic for Hereditary factor VIII deficiency disease. Last evaluated: 2021-01-14. Review status: criteria provided, single submitter. Criteria: ARUP Molecular Germline Variant Investigation Process 2021. Collection method: clinical testing. Allele origin: germline.
Comment: The F8 c.3746delT; p.Leu1249ArgfsTer7 variant, to our knowledge, is not reported in the medical literature or gene specific databases. This variant is also absent from general population databases (Exome Variant Server, Genome Aggregation Database), indicating it is not a common polymorphism. This variant causes a frameshift by deleting a single nucleotide, so it is predicted to result in a truncated protein or mRNA subject to nonsense-mediated decay. Additionally, another frameshift variant at this codon (c.3745_3748delCTGA, p.Leu1249AlafsTer6) has been reported in an individual with severe hemophilia A and is considered pathogenic (see F8 database and references therein). Based on available information, the p.Leu1249ArgfsTer7 variant is considered to be pathogenic. References: Link to F8 database